The following is an entry in ClinVar:

ClinVar aggregate classification (germline): Uncertain significance. Review status: criteria provided, multiple submitters, no conflicts (2 of 4 stars). 2 submissions from 2 submitters: Uncertain significance (2). Last evaluated 2023-04-25.

Conditions:
Inborn genetic diseases. Identifiers: MedGen C0950123, MeSH D030342.

Allele frequency attached by ClinVar (database versions not stated): gnomAD 0.00001; gnomAD exomes 0.00001; TOPMed 0.00005.
gnomAD v4.1: 16 of 1,591,424 alleles (0.001%); highest among the groups gnomAD compares: Admixed American, 0.0034%; no homozygotes.

Submissions (2):

Ambry Genetics
Classification: Uncertain significance for Inborn genetic diseases. Last evaluated: 2023-04-25. Review status: criteria provided, single submitter. Criteria: Ambry Variant Classification Scheme 2023. Collection method: clinical testing. Allele origin: germline.

Labcorp Genetics (formerly Invitae), Labcorp
Classification: Uncertain significance. Last evaluated: 2022-05-01. Review status: criteria provided, single submitter. Criteria: Invitae Variant Classification Sherloc (09022015). Collection method: clinical testing. Allele origin: germline.
Comment: In summary, the available evidence is currently insufficient to determine the role of this variant in disease. Therefore, it has been classified as a Variant of Uncertain Significance. Advanced modeling of protein sequence and biophysical properties (such as structural, functional, and spatial information, amino acid conservation, physicochemical variation, residue mobility, and thermodynamic stability) performed at Invitae indicates that this missense variant is not expected to disrupt CYP4V2 protein function. This variant has not been reported in the literature in individuals affected with CYP4V2-related conditions. This variant is not present in population databases (gnomAD no frequency). This sequence change replaces alanine, which is neutral and non-polar, with threonine, which is neutral and polar, at codon 25 of the CYP4V2 protein (p.Ala25Thr).

NM_207352.4(CYP4V2):c.73G>A (p.Ala25Thr)

Gene: CYP4V2 (cytochrome P450 family 4 subfamily V member 2; plus strand). Cytogenetic location: 4q35.1.
Variant type: single nucleotide variant.
Coding change: c.73G>A on transcript NM_207352.4 (MANE Select); coding-DNA position 73, G replaced by A.
Protein change: p.Ala25Thr; replaces alanine 25 with threonine.
Molecular consequence: missense variant.
Genome position (GRCh38, 1-based): chr4:186,191,896, G>A. VCF-style: chr4-186191896-G-A. GRCh37 (hg19) VCF-style: chr4-187113050-G-A.
Other names: c.73G>A (NM_207352.3); short protein forms A25T.
Identifiers: ClinVar variation 2420881 (VCV002420881.9), dbSNP rs889469071, ClinGen allele CA112119121.